The following is an entry in ClinVar:

NM_001673.5(ASNS):c.487+1G>T

Genes: ASNS (asparagine synthetase (glutamine-hydrolyzing); minus strand), CZ1P-ASNS (CZ1P-ASNS readthrough; minus strand). Cytogenetic location: 7q21.3.
Variant type: single nucleotide variant.
Coding change: c.487+1G>T on transcript NM_001673.5 (MANE Select); the canonical splice donor site of the intron after coding-DNA position 487, G replaced by T.
Molecular consequence: splice donor variant.
Genome position (GRCh38, 1-based): chr7:97,864,258, C>A on the plus strand (G>T on the coding strand, the complement: ASNS is on the minus strand). VCF-style: chr7-97864258-C-A. GRCh37 (hg19) VCF-style: chr7-97493570-C-A.
Other names: c.487+1G>T (NM_001352496.2, NM_183356.4, NM_133436.3); c.238+1G>T (NM_001178076.2, NM_001178077.1); c.424+1G>T (NM_001178075.2).
Identifiers: ClinVar variation 4725716 (VCV004725716.1).

ClinVar aggregate classification (germline): Likely pathogenic (1 of 4 stars; one submission).

Submission:

Labcorp Genetics (formerly Invitae), Labcorp
Classification: Likely pathogenic. Last evaluated: 2025-08-20. Review status: criteria provided, single submitter. Criteria: Invitae Variant Classification Sherloc (09022015). Collection method: clinical testing. Allele origin: germline.
Comment: This sequence change affects a donor splice site in intron 4 of the ASNS gene. It is expected to disrupt RNA splicing. Variants that disrupt the donor or acceptor splice site typically lead to a loss of protein function (PMID: 16199547), and loss-of-function variants in ASNS are known to be pathogenic (PMID: 27422383, 30057589). This variant is not present in population databases (gnomAD no frequency). This variant has not been reported in the literature in individuals affected with ASNS-related conditions. Algorithms developed to predict the effect of sequence changes on RNA splicing suggest that this variant may disrupt the consensus splice site. In summary, the currently available evidence indicates that the variant is pathogenic, but additional data are needed to prove that conclusively. Therefore, this variant has been classified as Likely Pathogenic.

Literature cited by the submitters: PubMed 16199547; PubMed 27422383; PubMed 30057589.